The following is an entry in ClinVar:

NM_001042492.3(NF1):c.3345T>C (p.Asn1115=)

Gene: NF1 (neurofibromin 1; plus strand). Cytogenetic location: 17q11.2.
Variant type: single nucleotide variant.
Coding change: c.3345T>C on transcript NM_001042492.3 (MANE Select); coding-DNA position 3345, T replaced by C.
Protein change: p.Asn1115=; no amino-acid change (asparagine 1115 retained).
Molecular consequence: synonymous variant.
Genome position (GRCh38, 1-based): chr17:31,232,730, T>C. VCF-style: chr17-31232730-T-C. GRCh37 (hg19) VCF-style: chr17-29559748-T-C.
Other names: c.3345T>C, p.Asn1115= (NM_000267.4).
Identifiers: ClinVar variation 480215 (VCV000480215.16), dbSNP rs1443772199, ClinGen allele CA499232321.

ClinVar aggregate classification (germline): Benign/Likely benign. Review status: criteria provided, multiple submitters, no conflicts (2 of 4 stars). 4 submissions from 4 submitters: Benign (1); Likely benign (3). Last evaluated 2026-05-20.

Conditions:
Hereditary cancer-predisposing syndrome. Also called: Hereditary neoplastic syndrome; Neoplastic Syndromes, Hereditary; Hereditary Cancer Syndrome; Tumor predisposition. Identifiers: Orphanet 140162, MedGen C0027672, MeSH D009386, MONDO:0015356.
Cardiovascular phenotype. Identifiers: MedGen CN230736.
Neurofibromatosis, type 1 (NF1). Also called: Peripheral type neurofibromatosis; Neurofibromatosis, type I; VON RECKLINGHAUSEN DISEASE; NEUROFIBROMATOSIS, TYPE I, SOMATIC. Identifiers: Orphanet 636, MedGen C0027831, MONDO:0018975, OMIM 162200. Disease mechanism: loss of function.

Allele frequency attached by ClinVar (database versions not stated): gnomAD 0.00002; gnomAD exomes below 0.00001; TOPMed 0.00001.
gnomAD v4.1: 4 of 1,613,930 alleles (0.00025%); highest among the groups gnomAD compares: African/African-American, 0.004%; no homozygotes.

Submissions (4):

Myriad Genetics, Inc.
Classification: Benign for Neurofibromatosis, type 1. Last evaluated: 2026-05-20. Review status: criteria provided, single submitter. Criteria: Myriad Autosomal Dominant, Autosomal Recessive and X-Linked Classification Criteria (2023). Collection method: clinical testing. Allele origin: unknown.
Comment: This variant is considered benign. This variant is a silent/synonymous amino acid change and it is not expected to impact splicing.

Labcorp Genetics (formerly Invitae), Labcorp
Classification: Likely benign for Neurofibromatosis, type 1. Last evaluated: 2026-02-02. Review status: criteria provided, single submitter. Criteria: Invitae Variant Classification Sherloc (09022015). Collection method: clinical testing. Allele origin: germline.

Genome-Nilou Lab
Classification: Likely benign for Neurofibromatosis, type 1. Last evaluated: 2022-03-15. Review status: criteria provided, single submitter. Criteria: ACMG Guidelines, 2015. Collection method: clinical testing. Allele origin: germline. Affected: no.

Ambry Genetics
Classification: Likely benign for Cardiovascular phenotype; Hereditary cancer-predisposing syndrome. Last evaluated: 2017-06-15. Review status: criteria provided, single submitter. Criteria: Ambry Variant Classification Scheme 2023. Collection method: clinical testing. Allele origin: germline.